The following is an entry in ClinVar:

ClinVar aggregate classification (germline): Uncertain significance (1 of 4 stars; one submission).

Conditions:
Cardiovascular phenotype. Identifiers: MedGen CN230736.

gnomAD v4.1: 1 of 1,605,646 alleles (0.000062%); no homozygotes.

Submission:

Ambry Genetics
Classification: Uncertain significance for Cardiovascular phenotype. Last evaluated: 2026-02-14. Review status: criteria provided, single submitter. Criteria: Ambry Variant Classification Scheme 2023. Collection method: clinical testing. Allele origin: germline.
Comment: The p.S1290L variant (also known as c.3869C>T), located in coding exon 9 of the TNXB gene, results from a C to T substitution at nucleotide position 3869. The serine at codon 1290 is replaced by leucine, an amino acid with dissimilar properties. This amino acid position is conserved. In addition, the in silico prediction for this alteration is inconclusive. Based on the available evidence, the clinical significance of this variant remains unclear.

NM_001365276.2(TNXB):c.3869C>T (p.Ser1290Leu)

Gene: TNXB (tenascin XB; minus strand). Cytogenetic location: 6p21.33.
Variant type: single nucleotide variant.
Coding change: c.3869C>T on transcript NM_001365276.2 (MANE Select); coding-DNA position 3869, C replaced by T.
Protein change: p.Ser1290Leu; replaces serine 1290 with leucine.
Molecular consequence: missense variant.
Genome position (GRCh38, 1-based): chr6:32,081,541, G>A on the plus strand (C>T on the coding strand, the complement: TNXB is on the minus strand). VCF-style: chr6-32081541-G-A. GRCh37 (hg19) VCF-style: chr6-32049318-G-A.
Other names: c.4610C>T, p.Ser1537Leu (NM_001428335.1); c.3869C>T, p.Ser1290Leu (NM_019105.8); short protein forms S1290L, S1537L.
Identifiers: ClinVar variation 4824408 (VCV004824408.1).